The following is an entry in ClinVar:

NM_001080449.3(DNA2):c.1100A>G (p.His367Arg)

Gene: DNA2 (DNA replication helicase/nuclease 2; minus strand). Cytogenetic location: 10q21.3.
Variant type: single nucleotide variant.
Coding change: c.1100A>G on transcript NM_001080449.3 (MANE Select); coding-DNA position 1100, A replaced by G.
Protein change: p.His367Arg; replaces histidine 367 with arginine.
Molecular consequence: missense variant. On other transcripts: non-coding transcript variant (1).
Genome position (GRCh38, 1-based): chr10:68,445,041, T>C on the plus strand (A>G on the coding strand, the complement: DNA2 is on the minus strand). VCF-style: chr10-68445041-T-C. GRCh37 (hg19) VCF-style: chr10-70204798-T-C.
Other names: short protein forms H367R.
Identifiers: ClinVar variation 1904019 (VCV001904019.5), dbSNP rs2052019662, ClinGen allele CA376862689.

ClinVar aggregate classification (germline): Uncertain significance (1 of 4 stars; one submission).

Allele frequency attached by ClinVar (database versions not stated): TOPMed 0.00001.
gnomAD v4.1: 4 of 1,610,762 alleles (0.00025%); no homozygotes.

Submission:

Labcorp Genetics (formerly Invitae), Labcorp
Classification: Uncertain significance. Last evaluated: 2023-03-25. Review status: criteria provided, single submitter. Criteria: Invitae Variant Classification Sherloc (09022015). Collection method: clinical testing. Allele origin: germline.
Comment: Advanced modeling of protein sequence and biophysical properties (such as structural, functional, and spatial information, amino acid conservation, physicochemical variation, residue mobility, and thermodynamic stability) performed at Invitae indicates that this missense variant is not expected to disrupt DNA2 protein function. Algorithms developed to predict the effect of sequence changes on RNA splicing suggest that this variant may create or strengthen a splice site. In summary, the available evidence is currently insufficient to determine the role of this variant in disease. Therefore, it has been classified as a Variant of Uncertain Significance. ClinVar contains an entry for this variant (Variation ID: 1904019). This variant has not been reported in the literature in individuals affected with DNA2-related conditions. This variant is not present in population databases (gnomAD no frequency). This sequence change replaces histidine, which is basic and polar, with arginine, which is basic and polar, at codon 367 of the DNA2 protein (p.His367Arg).